The following is an entry in ClinVar:

ClinVar aggregate classification (germline): not provided (0 of 4 stars; one submission).

Submission:

ITMI
No classification provided. Condition: AllHighlyPenetrant. Last evaluated: 2013-09-19. Review status: no classification provided. Collection method: reference population. Allele origin: germline.
Comment: Please see associated publication for description of ethnicities

Literature cited by the submitters: PubMed 24728327.

NM_004456.5(EZH2):c.1844C>T (p.Ser615Phe)

Gene: EZH2 (enhancer of zeste 2 polycomb repressive complex 2 subunit; minus strand). Cytogenetic location: 7q36.1.
Variant type: single nucleotide variant.
Coding change: c.1844C>T on transcript NM_004456.5 (MANE Select); coding-DNA position 1844, C replaced by T.
Protein change: p.Ser615Phe; replaces serine 615 with phenylalanine.
Molecular consequence: missense variant.
Genome position (GRCh38, 1-based): chr7:148,813,966, G>A on the plus strand (C>T on the coding strand, the complement: EZH2 is on the minus strand). VCF-style: chr7-148813966-G-A. GRCh37 (hg19) VCF-style: chr7-148511058-G-A.
Other names: c.1829C>T, p.Ser610Phe (NM_001203247.2); c.1802C>T, p.Ser601Phe (NM_001203248.2); c.1676C>T, p.Ser559Phe (NM_001203249.2); c.1712C>T, p.Ser571Phe (NM_152998.3); short protein forms S615F, S571F, S559F, S601F, S610F.
Identifiers: ClinVar variation 134220 (VCV000134220.1), dbSNP rs587778301, ClinGen allele CA159183.
Genomic context (GRCh38, chr7:148,813,966, plus strand): 5'-CATCACTAAATAGCTAACTACAAACAATCTTCCAGAAGTGACTTGTTGCTCACCTTTTTG[G>A]AGCCCCGCTGAATACTGCAGTTCTTGCAGGACACATTTTTACTGTCCCAATGGTCAGCGG-3'
Protein context (NP_004447.2, residues 605-625): SCKNCSIQRG[Ser615Phe]KKHLLLAPSD